The following is an entry in ClinVar:

NM_006180.6(NTRK2):c.323A>G (p.His108Arg)

Gene: NTRK2 (neurotrophic receptor tyrosine kinase 2; plus strand). Cytogenetic location: 9q21.33.
Variant type: single nucleotide variant.
Coding change: c.323A>G on transcript NM_006180.6 (MANE Select); coding-DNA position 323, A replaced by G.
Protein change: p.His108Arg; replaces histidine 108 with arginine.
Molecular consequence: missense variant. On other transcripts: 5 prime UTR variant (4).
Genome position (GRCh38, 1-based): chr9:84,702,383, A>G. VCF-style: chr9-84702383-A-G. GRCh37 (hg19) VCF-style: chr9-87317298-A-G.
Other names: c.323A>G, p.His108Arg (NM_001369548.1, NM_001369549.1, NM_001381928.1 and 19 more transcripts); c.-146A>G (NM_001369550.1, NM_001369551.1, NM_001369535.1 and 1 more transcripts); short protein forms H108R.
Identifiers: ClinVar variation 2817418 (VCV002817418.3), dbSNP rs1445492288, ClinGen allele CA374005253.

ClinVar aggregate classification (germline): Uncertain significance (1 of 4 stars; one submission).

Allele frequency attached by ClinVar (database versions not stated): gnomAD exomes below 0.00001.
gnomAD v4.1: 3 of 1,614,102 alleles (0.00019%); highest among the groups gnomAD compares: East Asian, 0.0022%; no homozygotes.

Submission:

Labcorp Genetics (formerly Invitae), Labcorp
Classification: Uncertain significance. Last evaluated: 2025-10-13. Review status: criteria provided, single submitter. Criteria: Invitae Variant Classification Sherloc (09022015). Collection method: clinical testing. Allele origin: germline.
Comment: This sequence change replaces histidine, which is basic and polar, with arginine, which is basic and polar, at codon 108 of the NTRK2 protein (p.His108Arg). This variant is present in population databases (no rsID available, gnomAD 0.006%). This variant has not been reported in the literature in individuals affected with NTRK2-related conditions. ClinVar contains an entry for this variant (Variation ID: 2817418). Invitae Evidence Modeling of protein sequence and biophysical properties (such as structural, functional, and spatial information, amino acid conservation, physicochemical variation, residue mobility, and thermodynamic stability) indicates that this missense variant is not expected to disrupt NTRK2 protein function with a negative predictive value of 80%. In summary, the available evidence is currently insufficient to determine the role of this variant in disease. Therefore, it has been classified as a Variant of Uncertain Significance.